The following is an entry in ClinVar:

NM_001754.5(RUNX1):c.967+4A>T

Gene: RUNX1 (RUNX family transcription factor 1; minus strand). Cytogenetic location: 21q22.12.
Variant type: single nucleotide variant.
Coding change: c.967+4A>T on transcript NM_001754.5 (MANE Select); 4 bases into the intron after coding-DNA position 967, A replaced by T.
Molecular consequence: intron variant.
Genome position (GRCh38, 1-based): chr21:34,799,297, T>A on the plus strand (A>T on the coding strand, the complement: RUNX1 is on the minus strand). VCF-style: chr21-34799297-T-A. GRCh37 (hg19) VCF-style: chr21-36171594-T-A.
Other names: c.886+4A>T (NM_001001890.3).
Identifiers: ClinVar variation 4694245 (VCV004694245.1).

ClinVar aggregate classification (germline): Uncertain significance (1 of 4 stars; one submission).

Conditions:
Hereditary thrombocytopenia and hematological cancer predisposition syndrome associated with RUNX1. Also called: Familial Platelet Disorder with Propensity to Acute Myelogenous Leukemia; Familial thrombocytopenia with propensity to acute myelogenous leukemia; PLATELET DISORDER, ASPIRIN-LIKE; RUNX1 Familial Platelet Disorder with Associated Myeloid Malignancies. Identifiers: Orphanet 71290, MedGen C1832388, MeSH C563324, MONDO:0100083, OMIM 601399.

gnomAD v4.1: 2 of 1,614,146 alleles (0.00012%); highest among the groups gnomAD compares: Non-Finnish European, 0.00017%; no homozygotes.

Submission:

Labcorp Genetics (formerly Invitae), Labcorp
Classification: Uncertain significance for Hereditary thrombocytopenia and hematological cancer predisposition syndrome associated with RUNX1. Last evaluated: 2025-06-17. Review status: criteria provided, single submitter. Criteria: Invitae Variant Classification Sherloc (09022015). Collection method: clinical testing. Allele origin: germline.
Comment: This sequence change falls in intron 8 of the RUNX1 gene. It does not directly change the encoded amino acid sequence of the RUNX1 protein. It affects a nucleotide within the consensus splice site. This variant is present in population databases (rs768654237, gnomAD 0.0009%). This variant has not been reported in the literature in individuals affected with RUNX1-related conditions. Variants that disrupt the consensus splice site are a relatively common cause of aberrant splicing (PMID: 17576681, 9536098). Algorithms developed to predict the effect of sequence changes on RNA splicing suggest that this variant is not likely to affect RNA splicing. In summary, the available evidence is currently insufficient to determine the role of this variant in disease. Therefore, it has been classified as a Variant of Uncertain Significance.

Literature cited by the submitters: PubMed 17576681; PubMed 9536098.